The following is an entry in ClinVar:

NM_031220.4(PITPNM3):c.2691C>G (p.Asn897Lys)

Gene: PITPNM3 (PITPNM family member 3; minus strand). Cytogenetic location: 17p13.2.
Variant type: single nucleotide variant.
Coding change: c.2691C>G on transcript NM_031220.4 (MANE Select); coding-DNA position 2691, C replaced by G.
Protein change: p.Asn897Lys; replaces asparagine 897 with lysine.
Molecular consequence: missense variant.
Genome position (GRCh38, 1-based): chr17:6,455,572, G>C on the plus strand (C>G on the coding strand, the complement: PITPNM3 is on the minus strand). VCF-style: chr17-6455572-G-C. GRCh37 (hg19) VCF-style: chr17-6358892-G-C.
Other names: c.2583C>G, p.Asn861Lys (NM_001165966.2); short protein forms N861K, N897K.
Identifiers: ClinVar variation 971937 (VCV000971937.9), dbSNP rs374206848, ClinGen allele CA8329047.

ClinVar aggregate classification (germline): Uncertain significance (1 of 4 stars; one submission).

Allele frequency attached by ClinVar (database versions not stated): TOPMed 0.00003; ESP Exome Variant Server 0.00008; gnomAD exomes 0.00012; ExAC 0.00022.
gnomAD v4.1: 105 of 1,600,344 alleles (0.0066%); highest among the groups gnomAD compares: Non-Finnish European, 0.0083%; no homozygotes.

Submission:

Labcorp Genetics (formerly Invitae), Labcorp
Classification: Uncertain significance. Last evaluated: 2025-10-16. Review status: criteria provided, single submitter. Criteria: Invitae Variant Classification Sherloc (09022015). Collection method: clinical testing. Allele origin: germline.
Comment: This sequence change replaces asparagine, which is neutral and polar, with lysine, which is basic and polar, at codon 897 of the PITPNM3 protein (p.Asn897Lys). This variant is present in population databases (rs374206848, gnomAD 0.03%). This variant has not been reported in the literature in individuals affected with PITPNM3-related conditions. ClinVar contains an entry for this variant (Variation ID: 971937). Invitae Evidence Modeling of protein sequence and biophysical properties (such as structural, functional, and spatial information, amino acid conservation, physicochemical variation, residue mobility, and thermodynamic stability) indicates that this missense variant is not expected to disrupt PITPNM3 protein function with a negative predictive value of 80%. In summary, the available evidence is currently insufficient to determine the role of this variant in disease. Therefore, it has been classified as a Variant of Uncertain Significance.